The following is an entry in ClinVar:

ClinVar aggregate classification (germline): Uncertain significance (0 of 4 stars; one submission).

Conditions:
CUL4B-related disorder. Also called: CUL4B-related condition.

Submission:

PreventionGenetics, part of Exact Sciences
Classification: Uncertain significance for CUL4B-related condition. Last evaluated: 2024-07-30. Review status: no assertion criteria provided. Collection method: clinical testing. Allele origin: germline.
Comment: The CUL4B c.254C>T variant is predicted to result in the amino acid substitution p.Thr85Ile. To our knowledge, this variant has not been reported in the literature or in gnomAD, indicating this variant is rare. At this time, the clinical significance of this variant is uncertain due to the absence of conclusive functional and genetic evidence.

NM_001079872.2(CUL4B):c.200C>T (p.Thr67Ile)

Genes: CUL4B (cullin 4B; minus strand), LOC113845788 (Sharpr-MPRA regulatory region 11856; plus strand). Cytogenetic location: Xq24.
Variant type: single nucleotide variant.
Coding change: c.200C>T on transcript NM_001079872.2 (MANE Select); coding-DNA position 200, C replaced by T.
Protein change: p.Thr67Ile; replaces threonine 67 with isoleucine.
Molecular consequence: missense variant.
Genome position (GRCh38, 1-based): chrX:120,560,439, G>A on the plus strand (C>T on the coding strand, the complement: CUL4B is on the minus strand). VCF-style: chrX-120560439-G-A. GRCh37 (hg19) VCF-style: chrX-119694294-G-A.
Other names: c.215C>T, p.Thr72Ile (NM_001330624.2); c.254C>T, p.Thr85Ile (NM_003588.4); short protein forms T67I, T72I, T85I.
Identifiers: ClinVar variation 3347796 (VCV003347796.1).